The following is an entry in ClinVar:

ClinVar aggregate classification (germline): Conflicting classifications of pathogenicity. Review status: criteria provided, conflicting classifications (1 of 4 stars). 2 submissions from 2 submitters: Uncertain significance (1); Likely benign (1). Last evaluated 2025-11-07.

Conditions:
SIX6-related disorder. Also called: SIX6-related condition.
Anophthalmia-microphthalmia syndrome. Also called: Anophthalmia - microphthalmia; Anophthalmia/Microphthalmia. Identifiers: Orphanet 98555, MedGen C5680330, MONDO:0020147.

Allele frequency attached by ClinVar (database versions not stated): TOPMed 0.00011; ExAC 0.00003; gnomAD 0.00004.
gnomAD v4.1: 168 of 1,613,276 alleles (0.01%); highest among the groups gnomAD compares: Non-Finnish European, 0.014%; no homozygotes.

Submissions (2):

PreventionGenetics, part of Exact Sciences
Classification: Likely benign for SIX6-related condition. Last evaluated: 2025-11-07. Review status: criteria provided, single submitter. Criteria: ACMG Guidelines, 2015. Collection method: clinical testing. Allele origin: germline.
Comment: This variant is classified as likely benign based on ACMG/AMP sequence variant interpretation guidelines (Richards et al. 2015 PMID: 25741868, with internal and published modifications).

Illumina Laboratory Services, Illumina
Classification: Uncertain significance for Anophthalmia-microphthalmia syndrome. Last evaluated: 2018-01-13. Review status: criteria provided, single submitter. Criteria: ICSL Variant Classification Criteria 13 December 2019. Collection method: clinical testing. Allele origin: germline.

NM_007374.3(SIX6):c.726C>T (p.Ser242=)

Genes: C14orf39 (chromosome 14 open reading frame 39; minus strand), SIX6 (SIX homeobox 6; plus strand). Cytogenetic location: 14q23.1.
Variant type: single nucleotide variant.
Coding change: c.726C>T on transcript NM_007374.3 (MANE Select); coding-DNA position 726, C replaced by T.
Protein change: p.Ser242=; no amino-acid change (serine 242 retained).
Molecular consequence: synonymous variant.
Genome position (GRCh38, 1-based): chr14:60,511,237, C>T. VCF-style: chr14-60511237-C-T. GRCh37 (hg19) VCF-style: chr14-60977955-C-T.
Identifiers: ClinVar variation 313435 (VCV000313435.6), dbSNP rs770148963, ClinGen allele CA7212671.